The following is an entry in ClinVar:

NM_018965.4(TREM2):c.365G>A (p.Arg122Lys)

Gene: TREM2 (triggering receptor expressed on myeloid cells 2; minus strand). Cytogenetic location: 6p21.1.
Variant type: single nucleotide variant.
Coding change: c.365G>A on transcript NM_018965.4 (MANE Select); coding-DNA position 365, G replaced by A.
Protein change: p.Arg122Lys; replaces arginine 122 with lysine.
Molecular consequence: missense variant.
Genome position (GRCh38, 1-based): chr6:41,161,289, C>T on the plus strand (G>A on the coding strand, the complement: TREM2 is on the minus strand). VCF-style: chr6-41161289-C-T. GRCh37 (hg19) VCF-style: chr6-41129027-C-T.
Other names: c.365G>A, p.Arg122Lys (NM_001271821.2); short protein forms R122K.
Identifiers: ClinVar variation 1398320 (VCV001398320.8), dbSNP rs2113879918, ClinGen allele CA364058692.

ClinVar aggregate classification (germline): Uncertain significance (1 of 4 stars; one submission).

Allele frequency attached by ClinVar (database versions not stated): gnomAD exomes below 0.00001.
gnomAD v4.1: 1 of 1,614,130 alleles (0.000062%); highest among the groups gnomAD compares: Non-Finnish European, 0.000085%; no homozygotes.

Submission:

Labcorp Genetics (formerly Invitae), Labcorp
Classification: Uncertain significance. Last evaluated: 2021-05-31. Review status: criteria provided, single submitter. Criteria: Invitae Variant Classification Sherloc (09022015). Collection method: clinical testing. Allele origin: germline.
Comment: In summary, the available evidence is currently insufficient to determine the role of this variant in disease. Therefore, it has been classified as a Variant of Uncertain Significance. Algorithms developed to predict the effect of missense changes on protein structure and function output the following: SIFT: "Tolerated"; PolyPhen-2: "Benign"; Align-GVGD: "Class C0". The lysine amino acid residue is found in multiple mammalian species, suggesting that this missense change does not adversely affect protein function. These predictions have not been confirmed by published functional studies and their clinical significance is uncertain. This variant has not been reported in the literature in individuals with TREM2-related conditions. This variant is not present in population databases (ExAC no frequency). This sequence change replaces arginine with lysine at codon 122 of the TREM2 protein (p.Arg122Lys). The arginine residue is moderately conserved and there is a small physicochemical difference between arginine and lysine.